The following is an entry in ClinVar:

ClinVar aggregate classification (germline): Conflicting classifications of pathogenicity. Review status: criteria provided, conflicting classifications (1 of 4 stars). 6 submissions from 5 submitters: Uncertain significance (2); Likely benign (4). Last evaluated 2025-08-01.

Conditions:
Autosomal recessive nonsyndromic hearing loss 21. Identifiers: Orphanet 90636, MedGen C1863655, MONDO:0011351, OMIM 603629.
Autosomal dominant nonsyndromic hearing loss 12. Also called: DEAFNESS, AUTOSOMAL DOMINANT 8. Identifiers: Orphanet 90635, MedGen C1832187, MONDO:0011102, OMIM 601543.

Allele frequency attached by ClinVar (database versions not stated): gnomAD 0.00013 and 0.00015; TOPMed 0.00020; 1000 Genomes Project 0.00060; 1000 Genomes Project 30x 0.00062.
gnomAD v4.1: 233 of 1,614,102 alleles (0.014%); highest among the groups gnomAD compares: Middle Eastern, 0.23%; 2 homozygotes.

Submissions (6):

CeGaT Center for Human Genetics Tuebingen
Classification: Likely benign. Last evaluated: 2025-08-01. Review status: criteria provided, single submitter. Criteria: CeGaT Center For Human Genetics Tuebingen Variant Classification Criteria Version 2. Collection method: clinical testing. Allele origin: germline. Affected: yes. Observed: 1 variant allele.
Comment: TECTA: BP4, BP7

Blueprint Genetics
Classification: Likely benign. Last evaluated: 2024-11-25. Review status: criteria provided, single submitter. Criteria: ACMG Guidelines, 2015. Collection method: clinical testing. Allele origin: germline.

Labcorp Genetics (formerly Invitae), Labcorp
Classification: Likely benign. Last evaluated: 2024-06-09. Review status: criteria provided, single submitter. Criteria: Invitae Variant Classification Sherloc (09022015). Collection method: clinical testing. Allele origin: germline.

GeneDx
Classification: Likely benign. Last evaluated: 2021-02-23. Review status: criteria provided, single submitter. Criteria: GeneDx Variant Classification Process June 2021. Collection method: clinical testing. Allele origin: germline. Affected: yes.

Illumina Laboratory Services, Illumina
Classification: Uncertain significance for Autosomal dominant nonsyndromic hearing loss 12. Last evaluated: 2018-01-13. Review status: criteria provided, single submitter. Criteria: ICSL Variant Classification Criteria 13 December 2019. Collection method: clinical testing. Allele origin: germline.

Illumina Laboratory Services, Illumina
Classification: Uncertain significance for Autosomal recessive nonsyndromic hearing loss 21. Last evaluated: 2018-01-13. Review status: criteria provided, single submitter. Criteria: ICSL Variant Classification Criteria 13 December 2019. Collection method: clinical testing. Allele origin: germline.

NM_005422.4(TECTA):c.4317A>C (p.Leu1439=)

Genes: TBCEL-TECTA (TBCEL-TECTA readthrough; plus strand), TECTA (tectorin alpha; plus strand). Cytogenetic location: 11q23.3.
Variant type: single nucleotide variant.
Coding change: c.4317A>C on transcript NM_005422.4 (MANE Select); coding-DNA position 4317, A replaced by C.
Protein change: p.Leu1439=; no amino-acid change (leucine 1439 retained).
Molecular consequence: synonymous variant.
Genome position (GRCh38, 1-based): chr11:121,157,852, A>C. VCF-style: chr11-121157852-A-C. GRCh37 (hg19) VCF-style: chr11-121028561-A-C.
Other names: c.5274A>C, p.Leu1758= (NM_001378761.1).
Identifiers: ClinVar variation 742069 (VCV000742069.23), dbSNP rs146742726, ClinGen allele CA6327432.